The following is an entry in ClinVar:

ClinVar aggregate classification (germline): Likely pathogenic (1 of 4 stars; one submission).

Conditions:
Autosomal recessive nonsyndromic hearing loss 77. Identifiers: Orphanet 90636, MedGen C2746083, MONDO:0013119, OMIM 613079.

gnomAD v4.1: 2 of 1,548,282 alleles (0.00013%); highest among the groups gnomAD compares: African/African-American, 0.0027%; no homozygotes.

Submission:

Juno Genomics, Hangzhou Juno Genomics, Inc
Classification: Likely pathogenic for Autosomal recessive nonsyndromic hearing loss 77. Review status: criteria provided, single submitter. Criteria: ACMG Guidelines, 2015. Collection method: clinical testing. Allele origin: germline. Affected: yes.
Comment: Absent from controls (or at extremely low frequency if recessive) in Genome Aggregation Database, Exome Sequencing Project, 1000 Genomes Project, or Exome Aggregation Consortium.;Null variant in a gene where loss of function (LOF) is a known mechanism of disease.

NM_001384474.1(LOXHD1):c.5085+1G>A

Gene: LOXHD1 (lipoxygenase homology PLAT domains 1; minus strand). Cytogenetic location: 18q21.1.
Variant type: single nucleotide variant.
Coding change: c.5085+1G>A on transcript NM_001384474.1 (MANE Select); the canonical splice donor site of the intron after coding-DNA position 5085, G replaced by A.
Molecular consequence: splice donor variant.
Genome position (GRCh38, 1-based): chr18:46,522,100, C>T on the plus strand (G>A on the coding strand, the complement: LOXHD1 is on the minus strand). VCF-style: chr18-46522100-C-T. GRCh37 (hg19) VCF-style: chr18-44102063-C-T.
Other names: c.1752+1G>A (NM_001145472.3); c.1464+1G>A (NM_001308013.2); c.5085+1G>A (NM_144612.7).
Identifiers: ClinVar variation 631801 (VCV000631801.6), dbSNP rs1418245706, ClinGen allele CA402371381.